The following is an entry in ClinVar:

NM_000059.4(BRCA2):c.1910-1G>A

Gene: BRCA2 (BRCA2 DNA repair associated; plus strand). Cytogenetic location: 13q13.1.
Variant type: single nucleotide variant.
Coding change: c.1910-1G>A on transcript NM_000059.4 (MANE Select); the canonical splice acceptor site of the intron before coding-DNA position 1910, G replaced by A.
Molecular consequence: splice acceptor variant. On other transcripts: intron variant (2).
Genome position (GRCh38, 1-based): chr13:32,336,264, G>A. VCF-style: chr13-32336264-G-A. GRCh37 (hg19) VCF-style: chr13-32910401-G-A.
Other names: c.1910-1G>A (NM_001406720.1, NM_001406719.1); c.1909+2877G>A (NM_001406721.1); c.424+5234G>A (NM_001406722.1).
Identifiers: ClinVar variation 1050669 (VCV001050669.6), dbSNP rs1566225769, ClinGen allele CA387768198.

ClinVar aggregate classification (germline): Pathogenic/Likely pathogenic. Review status: criteria provided, multiple submitters, no conflicts (2 of 4 stars). 3 submissions from 3 submitters: Pathogenic (1); Likely pathogenic (1). 1 of the submissions does not count toward it. Last evaluated 2025-02-03.

Conditions:
Hereditary breast ovarian cancer syndrome. Also called: Hereditary breast and ovarian cancer syndrome; Hereditary breast and ovarian cancer; Hereditary breast and ovarian cancer syndrome (HBOC); BRCA1- and BRCA2-Associated Hereditary Breast and Ovarian Cancer; Hereditary breast and/or ovarian cancer syndrome; Breast and ovarian cancer. Identifiers: Orphanet 145, MedGen C0677776, MeSH D061325, MONDO:0003582. Disease mechanism: loss of function.
Familial cancer of breast. Also called: BREAST CANCER, FAMILIAL; Hereditary breast cancer; hereditary breast carcinoma. Identifiers: Orphanet 227535, MedGen C0346153, MONDO:0016419, OMIM 114480. Disease mechanism: loss of function.
Malignant tumor of breast. Also called: Malignant breast neoplasm; Cancer breast. Identifiers: MedGen C0006142, MONDO:0007254. Disease mechanism: loss of function.

Submissions (3):

Labcorp Genetics (formerly Invitae), Labcorp
Classification: Pathogenic for Hereditary breast ovarian cancer syndrome. Last evaluated: 2025-02-03. Review status: criteria provided, single submitter. Criteria: Invitae Variant Classification Sherloc (09022015). Collection method: clinical testing. Allele origin: germline.
Comment: This sequence change affects an acceptor splice site in intron 10 of the BRCA2 gene. It is expected to disrupt RNA splicing. Variants that disrupt the donor or acceptor splice site typically lead to a loss of protein function (PMID: 16199547), and loss-of-function variants in BRCA2 are known to be pathogenic (PMID: 20104584). This variant is not present in population databases (gnomAD no frequency). Disruption of this splice site has been observed in individual(s) with Fanconi anemia (internal data). In at least one individual the data is consistent with being in trans (on the opposite chromosome) from a pathogenic variant. ClinVar contains an entry for this variant (Variation ID: 1050669). Algorithms developed to predict the effect of sequence changes on RNA splicing suggest that this variant may disrupt the consensus splice site. For these reasons, this variant has been classified as Pathogenic.

Baylor Genetics
Classification: Likely pathogenic for Familial cancer of breast. Last evaluated: 2023-04-17. Review status: criteria provided, single submitter. Criteria: ACMG Guidelines, 2015. Collection method: clinical testing. Allele origin: unknown.

Department of Pathology and Laboratory Medicine, Sinai Health System
Classification: Pathogenic for Malignant tumor of breast. Review status: no assertion criteria provided. Collection method: clinical testing. Allele origin: unknown. Affected: yes. Study: The Canadian Open Genetics Repository (COGR). Not counted in ClinVar's aggregate classification.
Comment: The BRCA2 c.1910-1G>A, variant was not identified in the literature nor was it identified in the dbSNP, ClinVar, COGR, Cosmic, MutDB, LOVD 3.0, UMD-LSDB, BIC, ARUP Laboratories, or Zhejiang University databases. In addition, the variant was not identified in the following control databases: the 1000 Genomes Project, the NHLBI GO Exome Sequencing Project, and the Exome Aggregation Consortium (August 8th 2016), or the Genome Aggregation Database (Feb 27, 2017). The c.1910-1G>A variant is predicted to cause abnormal splicing because the nucleotide substitution occurs in the invariant region of the splice consensus sequence. In addition, in silico or computational prediction software programs (MaxEntScan, NNSPLICE, GeneSplicer) predict a greater than 10% difference in splicing. In summary, based on the above information the clinical significance of this variant cannot be determined with certainty at this time. This variant is classified as a pathogenic.

Literature cited by the submitters: PubMed 16199547 (cited by Labcorp Genetics (formerly Invitae), Labcorp); PubMed 20104584 (cited by Labcorp Genetics (formerly Invitae), Labcorp).